The following is an entry in ClinVar:

NM_004260.4(RECQL4):c.851C>T (p.Pro284Leu)

Gene: RECQL4 (RecQ like helicase 4; minus strand). Cytogenetic location: 8q24.3.
Variant type: single nucleotide variant.
Coding change: c.851C>T on transcript NM_004260.4 (MANE Select); coding-DNA position 851, C replaced by T.
Protein change: p.Pro284Leu; replaces proline 284 with leucine.
Molecular consequence: missense variant.
Genome position (GRCh38, 1-based): chr8:144,516,268, G>A on the plus strand (C>T on the coding strand, the complement: RECQL4 is on the minus strand). VCF-style: chr8-144516268-G-A. GRCh37 (hg19) VCF-style: chr8-145741652-G-A.
Other names: short protein forms P284L.
Identifiers: ClinVar variation 578299 (VCV000578299.5), dbSNP rs972715381, ClinGen allele CA187688791.
Genomic context (GRCh38, chr8:144,516,268, plus strand): 5'-TGTACAGGTTCCCCTGGAGGGTCTTCCTCAACTGCTACAGCCCCAGCCCCCTCCGATGGG[G>A]GTCCAGCTTGGCTGCTCTCCTGCTGGACCTGTGCGGGGCTCTCCCAGGGCTCCTCGTTCC-3'
Protein context (NP_004251.4, residues 274-294): QVQQESSQAG[Pro284Leu]PSEGAGAVAV

ClinVar aggregate classification (germline): Uncertain significance. Review status: criteria provided, multiple submitters, no conflicts (2 of 4 stars). 2 submissions from 2 submitters: Uncertain significance (2). Last evaluated 2025-05-27.

Conditions:
Baller-Gerold syndrome (BGS). Also called: CRANIOSYNOSTOSIS WITH RADIAL DEFECTS. Identifiers: Orphanet 1225, MedGen C0265308, MONDO:0009039, OMIM 218600.
Inborn genetic diseases. Identifiers: MedGen C0950123, MeSH D030342.

Allele frequency attached by ClinVar (database versions not stated): gnomAD 0.00001; TOPMed 0.00001; gnomAD exomes below 0.00001.
gnomAD v4.1: 3 of 1,611,838 alleles (0.00019%); highest among the groups gnomAD compares: Non-Finnish European, 0.00025%; no homozygotes.

Submissions (2):

Ambry Genetics
Classification: Uncertain significance for Inborn genetic diseases. Last evaluated: 2025-05-27. Review status: criteria provided, single submitter. Criteria: Ambry Variant Classification Scheme 2023. Collection method: clinical testing. Allele origin: germline.
Comment: The p.P284L variant (also known as c.851C>T), located in coding exon 5 of the RECQL4 gene, results from a C to T substitution at nucleotide position 851. The proline at codon 284 is replaced by leucine, an amino acid with similar properties. This amino acid position is conserved. In addition, this alteration is predicted to be tolerated by in silico analysis. Based on the available evidence, the clinical significance of this variant remains unclear.

Labcorp Genetics (formerly Invitae), Labcorp
Classification: Uncertain significance for Baller-Gerold syndrome. Last evaluated: 2024-12-12. Review status: criteria provided, single submitter. Criteria: Invitae Variant Classification Sherloc (09022015). Collection method: clinical testing. Allele origin: germline.
Comment: This sequence change replaces proline, which is neutral and non-polar, with leucine, which is neutral and non-polar, at codon 284 of the RECQL4 protein (p.Pro284Leu). This variant is present in population databases (no rsID available, gnomAD 0.0009%). This variant has not been reported in the literature in individuals affected with RECQL4-related conditions. ClinVar contains an entry for this variant (Variation ID: 578299). Invitae Evidence Modeling of protein sequence and biophysical properties (such as structural, functional, and spatial information, amino acid conservation, physicochemical variation, residue mobility, and thermodynamic stability) indicates that this missense variant is not expected to disrupt RECQL4 protein function with a negative predictive value of 80%. In summary, the available evidence is currently insufficient to determine the role of this variant in disease. Therefore, it has been classified as a Variant of Uncertain Significance.